The following is an entry in ClinVar:

NM_000059.4(BRCA2):c.7322del (p.Gly2441fs)

Gene: BRCA2 (BRCA2 DNA repair associated; plus strand). Cytogenetic location: 13q13.1.
Variant type: Deletion.
Coding change: c.7322del on transcript NM_000059.4 (MANE Select); coding-DNA position 7322, one base deleted (G; older notation c.7322delG).
Protein change: p.Gly2441fs; shifts the reading frame from glycine 2441.
Molecular consequence: frameshift variant.
Genome position (GRCh38, 1-based): chr13:32,355,175, G deleted; the last of 2 consecutive G bases (chr13:32,355,174-32,355,175); deleting either gives the same sequence. VCF-style (leftmost placement, unchanged base first): chr13-32355173-TG-T. GRCh37 (hg19) VCF-style: chr13-32929310-TG-T.
Other names: 7550delG; c.7322delG (NM_000059.3).
Identifiers: ClinVar variation 52310 (VCV000052310.7), dbSNP rs397507911, ClinGen allele CA025029.

ClinVar aggregate classification (germline): Pathogenic. Review status: reviewed by expert panel (3 of 4 stars). 2 submissions from 2 submitters: Pathogenic (1). 1 of the submissions does not count toward it. Last evaluated 2016-10-18.

Conditions:
Breast-ovarian cancer, familial, susceptibility to, 2 (BROVCA2). Also called: BRCA2 Hereditary Breast and Ovarian Cancer. Identifiers: Orphanet 145, MedGen C2675520, MONDO:0012933, OMIM 612555. Disease mechanism: loss of function.

Submissions (2):

Evidence-based Network for the Interpretation of Germline Mutant Alleles (ENIGMA)
Classification: Pathogenic for Breast-ovarian cancer, familial, susceptibility to, 2. Last evaluated: 2016-10-18. Review status: reviewed by expert panel. Criteria: ENIGMA BRCA1/2 Classification Criteria (2015). Collection method: curation. Allele origin: germline.
Comment: Variant allele predicted to encode a truncated non-functional protein.

Consortium of Investigators of Modifiers of BRCA1/2 (CIMBA), c/o University of Cambridge
Classification: Pathogenic for Breast-ovarian cancer, familial, susceptibility to, 2. Last evaluated: 2015-10-02. Review status: criteria provided, single submitter. Criteria: CIMBA Mutation Classification guidelines May 2016. Collection method: clinical testing. Allele origin: germline. Not counted in ClinVar's aggregate classification.